The following is an entry in ClinVar:

NM_000384.3(APOB):c.2749C>T (p.Leu917=)

Gene: APOB (apolipoprotein B; minus strand). Cytogenetic location: 2p24.1.
Variant type: single nucleotide variant.
Coding change: c.2749C>T on transcript NM_000384.3 (MANE Select); coding-DNA position 2749, C replaced by T.
Protein change: p.Leu917=; no amino-acid change (leucine 917 retained).
Molecular consequence: synonymous variant.
Genome position (GRCh38, 1-based): chr2:21,022,898, G>A on the plus strand (C>T on the coding strand, the complement: APOB is on the minus strand). VCF-style: chr2-21022898-G-A. GRCh37 (hg19) VCF-style: chr2-21245770-G-A.
Other names: p.Leu917=.
Identifiers: ClinVar variation 627804 (VCV000627804.17), dbSNP rs746268646, ClinGen allele CA425137155.

ClinVar aggregate classification (germline): Likely benign. Review status: criteria provided, multiple submitters, no conflicts (2 of 4 stars). 4 submissions from 4 submitters: Likely benign (4). Last evaluated 2025-12-18.

Conditions:
Hypercholesterolemia, autosomal dominant, type B (FHCL2). Also called: APOB-Related Familial Hypercholesterolemia, Autosomal Dominant; Hyperlipoproteinemia Type IIb; Familial Hypercholesterolemia Type B; APOLIPOPROTEIN B-100, FAMILIAL DEFECTIVE; APOLIPOPROTEIN B-100, FAMILIAL LIGAND-DEFECTIVE; Familial hypercholesterolemia 2. Identifiers: MedGen C1704417, MONDO:0007751, OMIM 144010.
Familial hypobetalipoproteinemia 1. Also called: APOB-Related Familial Hypobetalipoproteinemia; Hypobetalipoproteinemia, normotriglyceridemic; Acanthocytosis with hypobetalipoproteinemia. Identifiers: MedGen C4551990, MONDO:0014252, OMIM 615558.
Familial hypercholesterolemia. Also called: Familial hypercholesterolemias; Familial hypercholesterolaemia. Identifiers: MedGen C0020445, MONDO:0005439.
Cardiovascular phenotype. Identifiers: MedGen CN230736.

Allele frequency attached by ClinVar (database versions not stated): gnomAD 0.00003; TOPMed 0.00003.

Submissions (4):

Mayo Clinic Laboratories, Mayo Clinic
Classification: Likely benign. Last evaluated: 2025-12-18. Review status: criteria provided, single submitter. Criteria: ACMG Guidelines, 2015. Collection method: clinical testing. Allele origin: germline. Observed: 1 variant allele.
Comment: BP4, BP7

Labcorp Genetics (formerly Invitae), Labcorp
Classification: Likely benign for Familial hypobetalipoproteinemia 1; Hypercholesterolemia, autosomal dominant, type B. Last evaluated: 2025-12-15. Review status: criteria provided, single submitter. Criteria: Invitae Variant Classification Sherloc (09022015). Collection method: clinical testing. Allele origin: germline.

GENinCode PLC
Classification: Likely benign for Familial hypercholesterolemia. Last evaluated: 2023-09-07. Review status: criteria provided, single submitter. Criteria: ACMG Guidelines, 2015. Collection method: clinical testing. Allele origin: germline.
Comment: This is a synonymous (silent) variant that is not predicted by SpliceAI to impact splicing. In addition, it occurs at a nucleotide that is not conserved. Therefore this variant has been classified as Likely Benign (BP4, BP7).

Ambry Genetics
Classification: Likely benign for Cardiovascular phenotype. Last evaluated: 2019-09-15. Review status: criteria provided, single submitter. Criteria: Ambry Variant Classification Scheme 2023. Collection method: clinical testing. Allele origin: germline.